The following is an entry in ClinVar:

NM_147127.5(EVC2):c.812C>A (p.Ser271Ter)

Gene: EVC2 (EvC ciliary complex subunit 2; minus strand). Cytogenetic location: 4p16.2.
Variant type: single nucleotide variant.
Coding change: c.812C>A on transcript NM_147127.5 (MANE Select); coding-DNA position 812, C replaced by A.
Protein change: p.Ser271Ter; replaces serine 271 with a stop codon.
Molecular consequence: nonsense.
Genome position (GRCh38, 1-based): chr4:5,685,374, G>T on the plus strand (C>A on the coding strand, the complement: EVC2 is on the minus strand). VCF-style: chr4-5685374-G-T. GRCh37 (hg19) VCF-style: chr4-5687101-G-T.
Other names: c.572C>A, p.Ser191Ter (NM_001166136.2); short protein forms S191*, S271*.
Identifiers: ClinVar variation 5016242 (VCV005016242.1).

ClinVar aggregate classification (germline): Pathogenic (1 of 4 stars; one submission).

Conditions:
Ellis-van Creveld syndrome (EVC). Also called: MESOECTODERMAL DYSPLASIA; Chondroectodermal dysplasia. Identifiers: Orphanet 289, MedGen C0013903, MONDO:0009162, OMIM 225500.

Submission:

Myriad Genetics, Inc.
Classification: Pathogenic for Ellis-van Creveld syndrome. Last evaluated: 2026-08-17. Review status: criteria provided, single submitter. Criteria: Myriad Autosomal Dominant, Autosomal Recessive and X-Linked Classification Criteria (2023). Collection method: clinical testing. Allele origin: unknown.
Comment: NM_147127.4(EVC2):c.812C>A(S271*) is expected to be pathogenic in the context of EVC2-related Ellis-van Creveld syndrome. This variant is predicted to lead to an abnormal or absent protein product due to the creation of a premature termination codon in EVC2, a gene where loss-of-function variants are known to be pathogenic. Please note: this variant was assessed in the context of healthy population screening.